The following is an entry in ClinVar:

ClinVar aggregate classification (germline): Conflicting classifications of pathogenicity. Review status: criteria provided, conflicting classifications (1 of 4 stars). 3 submissions from 3 submitters: Pathogenic (1); Likely pathogenic (1); Uncertain significance (1). Last evaluated 2026-08-23.

Conditions:
Autosomal dominant non-syndromic intellectual disability. Identifiers: Orphanet 178469, MedGen C5680502, MONDO:0015802.

Submissions (3):

GeneDx
Classification: Pathogenic. Last evaluated: 2026-08-23. Review status: criteria provided, single submitter. Criteria: GeneDx Variant Classification Process June 2021. Collection method: clinical testing. Allele origin: germline.
Comment: Frameshift variant predicted to result in protein truncation or nonsense mediated decay in a gene for which loss of function is a known mechanism of disease; This variant is associated with the following publications: (PMID: 35982160, 38958063, 42509346, 35982159)

Department of Human Genetics, University Hospital Bern, Inselspital
Classification: Likely pathogenic for Autosomal dominant non-syndromic intellectual disability. Last evaluated: 2026-05-03. Review status: criteria provided, single submitter. Criteria: ACMG Guidelines, 2015. Collection method: clinical testing. Allele origin: inherited. Affected: yes.
Comment: The variant leads to an early stop codon likely resulting in nonsense-mediated mRNA decay. The variant segregated in 4 affected family members plus 2 independent affected individuals and is reported 4x in gnomAD v4.1.0. In summary, criteria PVS1 and PP1_Supporting (plus were used for the family and PVS1 and PS2_Supporting or PVS1 and PP5_Supporting for the two independent individuals.

Centre of Medical Genetics, University Hospital Muenster
Classification: Uncertain significance. Last evaluated: 2022-11-16. Review status: criteria provided, single submitter. Criteria: ACMG Guidelines, 2015. Collection method: clinical testing. Allele origin: unknown. Affected: yes. Observed: 1 variant allele, 1 heterozygote.
Comment: ACMG categories: PVS1

Literature cited by the submitters: PubMed 42509346 (cited by Department of Human Genetics, University Hospital Bern, Inselspital).

NM_001256627.2(BRSK2):c.1737dup (p.Pro580fs)

Gene: BRSK2 (BR serine/threonine kinase 2; plus strand). Cytogenetic location: 11p15.5.
Variant type: Duplication.
Coding change: c.1737dup on transcript NM_001256627.2 (MANE Select); coding-DNA position 1737, one base duplicated (G; older notation c.1737dupG).
Protein change: p.Pro580fs; shifts the reading frame from proline 580.
Molecular consequence: frameshift variant. On other transcripts: non-coding transcript variant (1).
Genome position (GRCh38, 1-based): chr11:1,456,416, G duplicated; the last of 7 consecutive G bases (chr11:1,456,410-1,456,416); duplicating any one gives the same sequence. VCF-style (leftmost placement, unchanged base first): chr11-1456409-C-CG. GRCh37 (hg19) VCF-style: chr11-1477639-C-CG.
Other names: c.1737dup, p.Pro580fs (NM_001256629.2, NM_003957.4); c.1875dup, p.Pro626fs (NM_001256630.1); c.1557dup, p.Pro520fs (NM_001282218.2); c.1737dup (NM_001256627.1); short protein forms P520fs, P580fs, P626fs.
Identifiers: ClinVar variation 2430308 (VCV002430308.5), dbSNP rs2539768600, ClinGen allele CA472038309.
Genomic context (GRCh38, chr11:1,456,409, plus strand): 5'-TTCCCAGTCTCAGCCACAGCGTCATCTCCCAAACGAGCTTCCGGGCCGAGTACAAGGCCA[C>CG]GGGGGGGCCAGCCGTGTTCCAGAAGCCGGTCAAGTTCCAGGTTGATATCACCTACACGGA-3'